The following is an entry in ClinVar:

NM_001368397.1(FRMPD4):c.1883G>C (p.Arg628Pro)

Gene: FRMPD4 (FERM and PDZ domain containing 4; plus strand). Cytogenetic location: Xp22.2.
Variant type: single nucleotide variant.
Coding change: c.1883G>C on transcript NM_001368397.1 (MANE Select); coding-DNA position 1883, G replaced by C.
Protein change: p.Arg628Pro; replaces arginine 628 with proline.
Molecular consequence: missense variant.
Genome position (GRCh38, 1-based): chrX:12,716,342, G>C. VCF-style: chrX-12716342-G-C. GRCh37 (hg19) VCF-style: chrX-12734461-G-C.
Other names: c.1994G>C, p.Arg665Pro (NM_001368395.3, NM_001368398.3); c.1889G>C, p.Arg630Pro (NM_001368396.3); c.1874G>C, p.Arg625Pro (NM_001368399.3); c.1763G>C, p.Arg588Pro (NM_001368400.3); c.1859G>C, p.Arg620Pro (NM_001368401.1, NM_001368402.3); c.1883G>C, p.Arg628Pro (NM_014728.3); short protein forms R588P, R620P, R625P, R628P, R630P, R665P.
Identifiers: ClinVar variation 3056785 (VCV003056785.2), dbSNP rs775576730, ClinGen allele CA10349375.

ClinVar aggregate classification (germline): Uncertain significance (0 of 4 stars; one submission).

Conditions:
FRMPD4-related disorder. Also called: FRMPD4-related condition.

Allele frequency attached by ClinVar (database versions not stated): ExAC 0.00001.
gnomAD v4.1: 1 of 1,211,580 alleles (0.000083%); highest among the groups gnomAD compares: Non-Finnish European, 0.00011%; no homozygotes.

Submission:

PreventionGenetics, part of Exact Sciences
Classification: Uncertain significance for FRMPD4-related condition. Last evaluated: 2024-01-30. Review status: no assertion criteria provided. Collection method: clinical testing. Allele origin: germline.
Comment: The FRMPD4 c.1883G>C variant is predicted to result in the amino acid substitution p.Arg628Pro. To our knowledge, this variant has not been reported in the literature. This variant is reported in 0.0012% of alleles in individuals of European (Non-Finnish) descent in gnomAD. At this time, the clinical significance of this variant is uncertain due to the absence of conclusive functional and genetic evidence.